The following is an entry in ClinVar:

ClinVar aggregate classification (germline): Uncertain significance (1 of 4 stars; one submission).

Conditions:
PCNT-related disorder. Also called: PCNT-related condition.

gnomAD v4.1: 1 of 1,614,076 alleles (0.000062%); highest among the groups gnomAD compares: African/African-American, 0.0013%; no homozygotes.

Submission:

PreventionGenetics, part of Exact Sciences
Classification: Uncertain significance for PCNT-related condition. Last evaluated: 2025-12-01. Review status: criteria provided, single submitter. Criteria: ACMG Guidelines, 2015. Collection method: clinical testing. Allele origin: germline.
Comment: The PCNT c.7066G>A variant is predicted to result in the amino acid substitution p.Gly2356Arg. To our knowledge, this variant has not been reported in the literature. This variant is reported in 0.0062% of alleles in individuals of African descent in gnomAD. At this time, the clinical significance of this variant is uncertain due to the absence of conclusive functional and genetic evidence.

NM_006031.6(PCNT):c.7066G>A (p.Gly2356Arg)

Gene: PCNT (pericentrin; plus strand). Cytogenetic location: 21q22.3.
Variant type: single nucleotide variant.
Coding change: c.7066G>A on transcript NM_006031.6 (MANE Select); coding-DNA position 7066, G replaced by A.
Protein change: p.Gly2356Arg; replaces glycine 2356 with arginine.
Molecular consequence: missense variant.
Genome position (GRCh38, 1-based): chr21:46,422,011, G>A. VCF-style: chr21-46422011-G-A. GRCh37 (hg19) VCF-style: chr21-47841925-G-A.
Other names: c.6712G>A, p.Gly2238Arg (NM_001315529.2); short protein forms G2238R, G2356R.
Identifiers: ClinVar variation 4992848 (VCV004992848.1).